The following is an entry in ClinVar:

ClinVar aggregate classification (germline): Benign/Likely benign. Review status: criteria provided, multiple submitters, no conflicts (2 of 4 stars). 3 submissions from 3 submitters: Benign (1); Likely benign (2). Last evaluated 2024-06-10.

Conditions:
Hereditary cancer-predisposing syndrome. Also called: Hereditary neoplastic syndrome; Neoplastic Syndromes, Hereditary; Tumor predisposition; Hereditary Cancer Syndrome. Identifiers: Orphanet 140162, MedGen C0027672, MeSH D009386, MONDO:0015356.
Familial cancer of breast. Also called: Hereditary breast cancer; hereditary breast carcinoma; BREAST CANCER, FAMILIAL. Identifiers: Orphanet 227535, MedGen C0346153, MONDO:0016419, OMIM 114480. Disease mechanism: loss of function.
Ataxia-telangiectasia syndrome (AT). Also called: Ataxia telangiectasia (A-T); LOUIS-BAR SYNDROME; Cerebello-oculocutaneous telangiectasia; Immunodeficiency with ataxia telangiectasia; Ataxia-telangiectasia, complementation group D; AT, COMPLEMENTATION GROUP C. Identifiers: Orphanet 100, MedGen C0004135, MONDO:0008840, OMIM 208900.

Submissions (3):

Myriad Genetics, Inc.
Classification: Benign for Familial cancer of breast. Last evaluated: 2024-06-10. Review status: criteria provided, single submitter. Criteria: Myriad Autosomal Dominant, Autosomal Recessive and X-Linked Classification Criteria (2023). Collection method: clinical testing. Allele origin: unknown.
Comment: This variant is considered benign. This variant is a silent/synonymous amino acid change and it is not expected to impact splicing.

Labcorp Genetics (formerly Invitae), Labcorp
Classification: Likely benign for Ataxia-telangiectasia syndrome. Last evaluated: 2024-05-31. Review status: criteria provided, single submitter. Criteria: Invitae Variant Classification Sherloc (09022015). Collection method: clinical testing. Allele origin: germline.

Ambry Genetics
Classification: Likely benign for Hereditary cancer-predisposing syndrome. Last evaluated: 2021-02-04. Review status: criteria provided, single submitter. Criteria: Ambry Variant Classification Scheme 2023. Collection method: clinical testing. Allele origin: germline.

NM_000051.4(ATM):c.6669C>T (p.Ile2223=)

Genes: ATM (ATM serine/threonine kinase; plus strand), C11orf65 (chromosome 11 open reading frame 65; minus strand). Cytogenetic location: 11q22.3.
Variant type: single nucleotide variant.
Coding change: c.6669C>T on transcript NM_000051.4 (MANE Select); coding-DNA position 6669, C replaced by T.
Protein change: p.Ile2223=; no amino-acid change (isoleucine 2223 retained).
Molecular consequence: synonymous variant. On other transcripts: intron variant (2).
Genome position (GRCh38, 1-based): chr11:108,325,406, C>T. VCF-style: chr11-108325406-C-T. GRCh37 (hg19) VCF-style: chr11-108196133-C-T.
Other names: c.6669C>T, p.Ile2223= (NM_001351834.2); c.641-16335G>A (NM_001330368.2); c.*38+9814G>A (NM_001351110.2).
Identifiers: ClinVar variation 1754763 (VCV001754763.6), dbSNP rs2136311822, ClinGen allele CA476745357.